The following is an entry in ClinVar:

NM_020631.6(PLEKHG5):c.2113G>A (p.Glu705Lys)

Gene: PLEKHG5 (pleckstrin homology and RhoGEF domain containing G5; minus strand). Cytogenetic location: 1p36.31.
Variant type: single nucleotide variant.
Coding change: c.2113G>A on transcript NM_020631.6 (MANE Select); coding-DNA position 2113, G replaced by A.
Protein change: p.Glu705Lys; replaces glutamic acid 705 with lysine.
Molecular consequence: missense variant.
Genome position (GRCh38, 1-based): chr1:6,469,178, C>T on the plus strand (G>A on the coding strand, the complement: PLEKHG5 is on the minus strand). VCF-style: chr1-6469178-C-T. GRCh37 (hg19) VCF-style: chr1-6529238-C-T.
Other names: c.2224G>A, p.Glu742Lys (NM_001042663.3, NM_001265592.2); c.2113G>A, p.Glu705Lys (NM_001042664.2, NM_001042665.2, NM_001265594.3 and 1 more transcripts); c.2320G>A, p.Glu774Lys (NM_001265593.2); short protein forms E742K, E774K, E705K.
Identifiers: ClinVar variation 1786142 (VCV001786142.2), dbSNP rs942417681, ClinGen allele CA17234996.

ClinVar aggregate classification (germline): Uncertain significance (1 of 4 stars; one submission).

Conditions:
Inborn genetic diseases. Identifiers: MedGen C0950123, MeSH D030342.

Allele frequency attached by ClinVar (database versions not stated): gnomAD exomes below 0.00001; TOPMed 0.00001.
gnomAD v4.1: 1 of 1,613,302 alleles (0.000062%); highest among the groups gnomAD compares: Non-Finnish European, 0.000085%; no homozygotes.

Submission:

Ambry Genetics
Classification: Uncertain significance for Inborn genetic diseases. Last evaluated: 2019-10-15. Review status: criteria provided, single submitter. Criteria: Ambry Variant Classification Scheme 2023. Collection method: clinical testing. Allele origin: germline.
Comment: The p.E705K variant (also known as c.2113G>A), located in coding exon 18 of the PLEKHG5 gene, results from a G to A substitution at nucleotide position 2113. The glutamic acid at codon 705 is replaced by lysine, an amino acid with similar properties. This amino acid position is well conserved in available vertebrate species. In addition, this alteration is predicted to be tolerated by in silico analysis. Since supporting evidence is limited at this time, the clinical significance of this alteration remains unclear.